The following is an entry in ClinVar:

ClinVar aggregate classification (germline): Conflicting classifications of pathogenicity. Review status: criteria provided, conflicting classifications (1 of 4 stars). 2 submissions from 2 submitters: Likely pathogenic (1); Uncertain significance (1). Last evaluated 2024-10-18.

Conditions:
Dilated cardiomyopathy 1G (CMD1G). Identifiers: Orphanet 154, MedGen C1858763, MONDO:0011400, OMIM 604145.
Autosomal recessive limb-girdle muscular dystrophy type 2J (LGMDR10). Also called: Limb-girdle muscular dystrophy, type 2J; MUSCULAR DYSTROPHY, LIMB-GIRDLE, AUTOSOMAL RECESSIVE 10. Identifiers: Orphanet 140922, MedGen C1837342, MONDO:0012127, OMIM 608807.

Submissions (2):

Labcorp Genetics (formerly Invitae), Labcorp
Classification: Likely pathogenic for Dilated cardiomyopathy 1G; Autosomal recessive limb-girdle muscular dystrophy type 2J. Last evaluated: 2024-10-18. Review status: criteria provided, single submitter. Criteria: Invitae Variant Classification Sherloc (09022015). Collection method: clinical testing. Allele origin: germline.
Comment: This sequence change affects a donor splice site in intron 129 of the TTN gene. It is expected to disrupt RNA splicing and likely results in a truncated or disrupted TTN protein. This variant is not present in population databases (gnomAD no frequency). This variant has not been reported in the literature in individuals affected with TTN-related conditions. Algorithms developed to predict the effect of sequence changes on RNA splicing suggest that this variant may disrupt the consensus splice site. This variant is located in the I band of TTN (PMID: 25589632). Truncating variants in this region have been reported in individuals affected with autosomal recessive centronuclear myopathy (PMID: 23975875, internal data). Truncating variants in this region have also been identified in individuals affected with autosomal dominant dilated cardiomyopathy and/or cardio-related conditions (PMID: 27869827, 32964742, internal data). In summary, the currently available evidence indicates that the variant is pathogenic, but additional data are needed to prove that conclusively. Therefore, this variant has been classified as Likely Pathogenic.

Blueprint Genetics
Classification: Uncertain significance. Last evaluated: 2023-05-03. Review status: criteria provided, single submitter. Criteria: ACMG Guidelines, 2015. Collection method: clinical testing. Allele origin: germline.

Literature cited by the submitters: PubMed 25589632 (cited by Labcorp Genetics (formerly Invitae), Labcorp); PubMed 23975875 (cited by Labcorp Genetics (formerly Invitae), Labcorp); PubMed 27869827 (cited by Labcorp Genetics (formerly Invitae), Labcorp); PubMed 32964742 (cited by Labcorp Genetics (formerly Invitae), Labcorp).

NM_001267550.2(TTN):c.32470+1G>T

Gene: TTN (titin; minus strand). Cytogenetic location: 2q31.2.
Variant type: single nucleotide variant.
Coding change: c.32470+1G>T on transcript NM_001267550.2 (MANE Select); the canonical splice donor site of the intron after coding-DNA position 32470, G replaced by T.
Molecular consequence: splice donor variant. On other transcripts: intron variant (3).
Genome position (GRCh38, 1-based): chr2:178,685,252, C>A on the plus strand (G>T on the coding strand, the complement: TTN is on the minus strand). VCF-style: chr2-178685252-C-A. GRCh37 (hg19) VCF-style: chr2-179549979-C-A.
Other names: c.13283-42935G>T (NM_003319.4); c.13859-42935G>T (NM_133437.4); c.13658-42935G>T (NM_133432.3); c.28738+1G>T (NM_133378.4); c.31519+1G>T (NM_001256850.1).
Identifiers: ClinVar variation 2924439 (VCV002924439.4), dbSNP rs2474204665, ClinGen allele CA349547745.